The following is an entry in ClinVar:

NM_001363711.2(DUOX2):c.3415+4C>G

Gene: DUOX2 (dual oxidase 2; minus strand). Cytogenetic location: 15q21.1.
Variant type: single nucleotide variant.
Coding change: c.3415+4C>G on transcript NM_001363711.2 (MANE Select); 4 bases into the intron after coding-DNA position 3415, C replaced by G.
Molecular consequence: intron variant.
Genome position (GRCh38, 1-based): chr15:45,099,658, G>C on the plus strand (C>G on the coding strand, the complement: DUOX2 is on the minus strand). VCF-style: chr15-45099658-G-C. GRCh37 (hg19) VCF-style: chr15-45391856-G-C.
Other names: c.3415+4C>G (NM_014080.5).
Identifiers: ClinVar variation 1981574 (VCV001981574.3), dbSNP rs373924991, ClinGen allele CA7537883.
Genomic context (GRCh38, chr15:45,099,658, plus strand): 5'-ACTGTTTCCCCCAACTAGACCCAGGGTGCTGCAGCAAAGAGGAAGAAGCCTGGGAGTCAC[G>C]TACTGGCCAGGACAACAGCAGCCATGGCGATCCAGCGGTGGAAGTCCACTGCGGCATCAA-3'

ClinVar aggregate classification (germline): Uncertain significance (1 of 4 stars; one submission).

Allele frequency attached by ClinVar (database versions not stated): ESP Exome Variant Server 0.00008.
gnomAD v4.1: 24 of 1,613,990 alleles (0.0015%); highest among the groups gnomAD compares: African/African-American, 0.027%; no homozygotes.

Submission:

Labcorp Genetics (formerly Invitae), Labcorp
Classification: Uncertain significance. Last evaluated: 2024-12-23. Review status: criteria provided, single submitter. Criteria: Invitae Variant Classification Sherloc (09022015). Collection method: clinical testing. Allele origin: germline.
Comment: This sequence change falls in intron 25 of the DUOX2 gene. It does not directly change the encoded amino acid sequence of the DUOX2 protein. It affects a nucleotide within the consensus splice site. This variant is present in population databases (rs373924991, gnomAD 0.01%). This variant has not been reported in the literature in individuals affected with DUOX2-related conditions. ClinVar contains an entry for this variant (Variation ID: 1981574). Variants that disrupt the consensus splice site are a relatively common cause of aberrant splicing (PMID: 17576681, 9536098). Algorithms developed to predict the effect of sequence changes on RNA splicing suggest that this variant may create or strengthen a splice site. In summary, the available evidence is currently insufficient to determine the role of this variant in disease. Therefore, it has been classified as a Variant of Uncertain Significance.

Literature cited by the submitters: PubMed 17576681; PubMed 9536098.